The following is an entry in ClinVar:

ClinVar aggregate classification (germline): Uncertain significance (1 of 4 stars; one submission).

Conditions:
Hereditary cancer-predisposing syndrome. Also called: Neoplastic Syndromes, Hereditary; Tumor predisposition; Hereditary Cancer Syndrome; Hereditary neoplastic syndrome. Identifiers: Orphanet 140162, MedGen C0027672, MeSH D009386, MONDO:0015356.

Submission:

Ambry Genetics
Classification: Uncertain significance for Hereditary cancer-predisposing syndrome. Last evaluated: 2025-12-09. Review status: criteria provided, single submitter. Criteria: Ambry Variant Classification Scheme 2023. Collection method: clinical testing. Allele origin: germline.
Comment: The p.P748T variant (also known as c.2242C>A), located in coding exon 16 of the NBN gene, results from a C to A substitution at nucleotide position 2242. The proline at codon 748 is replaced by threonine, an amino acid with highly similar properties. This amino acid position is conserved. In addition, the in silico prediction for this alteration is inconclusive. Based on the available evidence, the clinical significance of this variant remains unclear.

NM_002485.5(NBN):c.2242C>A (p.Pro748Thr)

Gene: NBN (nibrin; minus strand). Cytogenetic location: 8q21.3.
Variant type: single nucleotide variant.
Coding change: c.2242C>A on transcript NM_002485.5 (MANE Select); coding-DNA position 2242, C replaced by A.
Protein change: p.Pro748Thr; replaces proline 748 with threonine.
Molecular consequence: missense variant.
Genome position (GRCh38, 1-based): chr8:89,935,605, G>T on the plus strand (C>A on the coding strand, the complement: NBN is on the minus strand). VCF-style: chr8-89935605-G-T. GRCh37 (hg19) VCF-style: chr8-90947833-G-T.
Other names: c.1996C>A, p.Pro666Thr (NM_001024688.3, NM_001440379.1, NM_001440380.1); short protein forms P666T, P748T.
Identifiers: ClinVar variation 4660800 (VCV004660800.1).